The following is an entry in ClinVar:

NM_001037.5(SCN1B):c.448+154G>A

Gene: SCN1B (sodium voltage-gated channel beta subunit 1; plus strand). Cytogenetic location: 19q13.11.
Variant type: single nucleotide variant.
Coding change: c.448+154G>A on transcript NM_001037.5 (MANE Select); 154 bases into the intron after coding-DNA position 448, G replaced by A.
Molecular consequence: intron variant. On other transcripts: missense variant (1).
Genome position (GRCh38, 1-based): chr19:35,033,893, G>A. VCF-style: chr19-35033893-G-A. GRCh37 (hg19) VCF-style: chr19-35524797-G-A.
Other names: c.602G>A, p.Cys201Tyr (NM_199037.5); c.349+154G>A (NM_001321605.2); short protein forms C201Y.
Identifiers: ClinVar variation 2886290 (VCV002886290.3), dbSNP rs2064231651, ClinGen allele CA405329462.
Genomic context (GRCh38, chr19:35,033,893, plus strand): 5'-GTGCCTGGCCAGCCAACCGCCCACAGCAGCGGGCTGAGGGGGAGGGGAGCAGCCCCTCCT[G>A]CCCACTCCAGCTCTGGCCTCTGTTTCTCTCCAGCCCACGGAGAGGTCAAAGCATGCCTGT-3'

ClinVar aggregate classification (germline): Uncertain significance (1 of 4 stars; one submission).

Conditions:
Brugada syndrome 5 (BRGDA5). Identifiers: Orphanet 130, Orphanet 871, MedGen C2748541, MONDO:0013015, OMIM 612838.

Submission:

Labcorp Genetics (formerly Invitae), Labcorp
Classification: Uncertain significance for Brugada syndrome 5. Last evaluated: 2023-04-30. Review status: criteria provided, single submitter. Criteria: Invitae Variant Classification Sherloc (09022015). Collection method: clinical testing. Allele origin: germline.
Comment: In summary, the available evidence is currently insufficient to determine the role of this variant in disease. Therefore, it has been classified as a Variant of Uncertain Significance. An algorithm developed to predict the effect of missense changes on protein structure and function (PolyPhen-2) suggests that this variant is likely to be tolerated. This variant has not been reported in the literature in individuals affected with SCN1B-related conditions. This variant is not present in population databases (gnomAD no frequency). This sequence change replaces cysteine, which is neutral and slightly polar, with tyrosine, which is neutral and polar, at codon 201 of the SCN1B protein (p.Cys201Tyr).